The following is an entry in ClinVar:

ClinVar aggregate classification (germline): Uncertain significance (1 of 4 stars; one submission).

Submission:

GeneDx
Classification: Uncertain significance. Last evaluated: 2023-04-12. Review status: criteria provided, single submitter. Criteria: GeneDx Variant Classification Process June 2021. Collection method: clinical testing. Allele origin: germline. Affected: yes.
Comment: In silico analysis supports that this missense variant has a deleterious effect on protein structure/function; Not observed at significant frequency in large population cohorts (gnomAD); Has not been previously published as pathogenic or benign to our knowledge

NM_001371533.1(FUT8):c.765G>C (p.Trp255Cys)

Gene: FUT8 (fucosyltransferase 8; plus strand). Cytogenetic location: 14q23.3.
Variant type: single nucleotide variant.
Coding change: c.765G>C on transcript NM_001371533.1 (MANE Select); coding-DNA position 765, G replaced by C.
Protein change: p.Trp255Cys; replaces tryptophan 255 with cysteine.
Molecular consequence: missense variant. On other transcripts: non-coding transcript variant (1).
Genome position (GRCh38, 1-based): chr14:65,669,410, G>C. VCF-style: chr14-65669410-G-C. GRCh37 (hg19) VCF-style: chr14-66136128-G-C.
Other names: c.765G>C, p.Trp255Cys (NM_001371534.1, NM_178155.3, NM_178156.2); c.867G>C, p.Trp289Cys (NM_001371536.1); c.276G>C, p.Trp92Cys (NM_004480.4); short protein forms W255C, W289C, W92C.
Identifiers: ClinVar variation 2662006 (VCV002662006.1), dbSNP rs2503244711, ClinGen allele CA390119538.